The following is an entry in ClinVar:

ClinVar aggregate classification (germline): Likely benign (0 of 4 stars; one submission).

Conditions:
TRRAP-related disorder. Also called: TRRAP-related condition.

Allele frequency attached by ClinVar (database versions not stated): gnomAD 0.00002; 1000 Genomes Project 30x 0.00016; 1000 Genomes Project 0.00020.
gnomAD v4.1: 39 of 1,614,190 alleles (0.0024%); highest among the groups gnomAD compares: Non-Finnish European, 0.0031%; no homozygotes.

Submission:

PreventionGenetics, part of Exact Sciences
Classification: Likely benign for TRRAP-related condition. Last evaluated: 2020-07-01. Review status: no assertion criteria provided. Collection method: clinical testing. Allele origin: germline.
Comment: This variant is classified as likely benign based on ACMG/AMP sequence variant interpretation guidelines (Richards et al. 2015 PMID: 25741868, with internal and published modifications).

NM_001375524.1(TRRAP):c.4578C>T (p.Asn1526=)

Gene: TRRAP (transformation/transcription domain associated protein; plus strand). Cytogenetic location: 7q22.1.
Variant type: single nucleotide variant.
Coding change: c.4578C>T on transcript NM_001375524.1 (MANE Select); coding-DNA position 4578, C replaced by T.
Protein change: p.Asn1526=; no amino-acid change (asparagine 1526 retained).
Molecular consequence: synonymous variant.
Genome position (GRCh38, 1-based): chr7:98,948,250, C>T. VCF-style: chr7-98948250-C-T. GRCh37 (hg19) VCF-style: chr7-98545873-C-T.
Other names: c.4557C>T, p.Asn1519= (NM_001244580.2); c.4503C>T, p.Asn1501= (NM_003496.4).
Identifiers: ClinVar variation 3036201 (VCV003036201.2), dbSNP rs188965370, ClinGen allele CA4360318.